The following is an entry in ClinVar:

ClinVar aggregate classification (germline): Uncertain significance (1 of 4 stars; one submission).

Allele frequency attached by ClinVar (database versions not stated): gnomAD exomes below 0.00001.
gnomAD v4.1: 4 of 1,570,466 alleles (0.00025%); highest among the groups gnomAD compares: Non-Finnish European, 0.00017%; no homozygotes.

Submission:

Labcorp Genetics (formerly Invitae), Labcorp
Classification: Uncertain significance. Last evaluated: 2022-07-05. Review status: criteria provided, single submitter. Criteria: Invitae Variant Classification Sherloc (09022015). Collection method: clinical testing. Allele origin: germline.
Comment: In summary, the available evidence is currently insufficient to determine the role of this variant in disease. Therefore, it has been classified as a Variant of Uncertain Significance. Experimental studies and prediction algorithms are not available or were not evaluated, and the functional significance of this variant is currently unknown. ClinVar contains an entry for this variant (Variation ID: 1494841). This variant has not been reported in the literature in individuals affected with COL18A1-related conditions. This variant is not present in population databases (gnomAD no frequency). This sequence change replaces proline with serine at codon 953 of the COL18A1 protein (p.Pro953Ser). There is a moderate physicochemical difference between proline and serine.

NM_001379500.1(COL18A1):c.2866C>T (p.Pro956Ser)

Genes: COL18A1 (collagen type XVIII alpha 1 chain; plus strand), SLC19A1 (solute carrier family 19 member 1; minus strand). Cytogenetic location: 21q22.3.
Variant type: single nucleotide variant.
Coding change: c.2866C>T on transcript NM_001379500.1 (MANE Select); coding-DNA position 2866, C replaced by T.
Protein change: p.Pro956Ser; replaces proline 956 with serine.
Molecular consequence: missense variant.
Genome position (GRCh38, 1-based): chr21:45,504,554, C>T. VCF-style: chr21-45504554-C-T. GRCh37 (hg19) VCF-style: chr21-46924468-C-T.
Other names: c.3397C>T, p.Pro1133Ser (NM_030582.4); c.4102C>T, p.Pro1368Ser (NM_130444.3); short protein forms P1133S, P1368S, P956S.
Identifiers: ClinVar variation 1494841 (VCV001494841.4), dbSNP rs2146075478, ClinGen allele CA410499355.